The following is an entry in ClinVar:

chr9:21187003-21228040 complex variant

Genes: IFNA10 (interferon alpha 10; minus strand), IFNA16 (interferon alpha 16; minus strand), IFNA17 (interferon alpha 17; minus strand), IFNA4 (interferon alpha 4; minus strand), IFNA7 (interferon alpha 7; minus strand). Cytogenetic location: 9p21.3.
Variant type: Complex.
Identifiers: ClinVar variation 221366 (VCV000221366.2).

ClinVar aggregate classification (germline): Uncertain significance (0 of 4 stars; one submission).

Conditions:
Breast ductal adenocarcinoma. Also called: Ductal breast carcinoma; Breast cancer, invasive ductal. Identifiers: MedGen C1527349, MONDO:0005590.

Submission:

Next Generation Diagnostics, Novartis Institutes for BioMedical Research, Inc.
Classification: Uncertain significance for Breast ductal adenocarcinoma. Last evaluated: 2015-07-20. Review status: no assertion criteria provided. Collection method: research. Allele origin: somatic. Affected: yes.
Comment: Loss of heterozygosity